The following is an entry in ClinVar:

NM_000548.5(TSC2):c.2386C>G (p.Leu796Val)

Gene: TSC2 (TSC complex subunit 2; plus strand). Cytogenetic location: 16p13.3.
Variant type: single nucleotide variant.
Coding change: c.2386C>G on transcript NM_000548.5 (MANE Select); coding-DNA position 2386, C replaced by G.
Protein change: p.Leu796Val; replaces leucine 796 with valine.
Molecular consequence: missense variant.
Genome position (GRCh38, 1-based): chr16:2,074,230, C>G. VCF-style: chr16-2074230-C-G. GRCh37 (hg19) VCF-style: chr16-2124231-C-G.
Other names: c.2386C>G, p.Leu796Val (NM_001077183.3, NM_001114382.3, NM_001363528.2 and 3 more transcripts); c.2275C>G, p.Leu759Val (NM_001318827.2); c.2239C>G, p.Leu747Val (NM_001318829.2); c.1786C>G, p.Leu596Val (NM_001318831.2); c.2419C>G, p.Leu807Val (NM_001318832.2); short protein forms L759V, L596V, L796V, L747V, L807V.
Identifiers: ClinVar variation 650089 (VCV000650089.16), dbSNP rs1596356291, ClinGen allele CA394277052.

ClinVar aggregate classification (germline): Conflicting classifications of pathogenicity. Review status: criteria provided, conflicting classifications (1 of 4 stars). 4 submissions from 4 submitters: Uncertain significance (3); Benign (1). Last evaluated 2025-08-10.

Conditions:
Tuberous sclerosis 2 (TSC2). Identifiers: Orphanet 805, MedGen C1860707, MONDO:0013199, OMIM 613254.
Lymphangiomyomatosis (LAM). Also called: Lymphangioleiomyomatosis; Lymphangioleiomyomatosis, somatic. Identifiers: Orphanet 538, MedGen C0751674, MONDO:0011705, OMIM 606690.
Isolated focal cortical dysplasia type II (FCORD2). Also called: Focal cortical dysplasia type II; CORTICAL DYSPLASIA OF TAYLOR. Identifiers: Orphanet 268994, MedGen C1846385, MONDO:0011818, OMIM 607341, HP:0032051.
Tuberous sclerosis syndrome (TSC). Also called: Tuberous sclerosis; Tuberous Sclerosis Complex. Identifiers: Orphanet 805, MedGen C0041341, MONDO:0001734.
Hereditary cancer-predisposing syndrome. Also called: Hereditary Cancer Syndrome; Tumor predisposition; Neoplastic Syndromes, Hereditary; Hereditary neoplastic syndrome. Identifiers: Orphanet 140162, MedGen C0027672, MeSH D009386, MONDO:0015356.

gnomAD v4.1: 1 of 1,612,184 alleles (0.000062%); highest among the groups gnomAD compares: Non-Finnish European, 0.000085%; no homozygotes.

Submissions (4):

Labcorp Genetics (formerly Invitae), Labcorp
Classification: Benign for Tuberous sclerosis 2. Last evaluated: 2025-08-10. Review status: criteria provided, single submitter. Criteria: Invitae Variant Classification Sherloc (09022015). Collection method: clinical testing. Allele origin: germline.

Ambry Genetics
Classification: Uncertain significance for Hereditary cancer-predisposing syndrome. Last evaluated: 2024-10-26. Review status: criteria provided, single submitter. Criteria: Ambry Variant Classification Scheme 2023. Collection method: clinical testing. Allele origin: germline.
Comment: The p.L796V variant (also known as c.2386C>G), located in coding exon 21 of the TSC2 gene, results from a C to G substitution at nucleotide position 2386. The leucine at codon 796 is replaced by valine, an amino acid with highly similar properties. This amino acid position is highly conserved in available vertebrate species. In addition, this alteration is predicted to be deleterious by in silico analysis. Based on the available evidence, the clinical significance of this variant remains unclear.

All of Us Research Program, National Institutes of Health
Classification: Uncertain significance for Tuberous sclerosis syndrome. Last evaluated: 2023-06-26. Review status: criteria provided, single submitter. Criteria: ACMG Guidelines, 2015. Collection method: clinical testing. Allele origin: germline. Inheritance: Autosomal dominant inheritance. Observed: 1 variant allele, 1 heterozygote.
Comment: This missense variant replaces leucine with valine at codon 796 of the TSC2 protein. Computational prediction suggests that this variant may have deleterious impact on protein structure and function (internally defined REVEL score threshold >= 0.7, PMID: 27666373). To our knowledge, functional studies have not been reported for this variant. This variant has not been reported in individuals affected with TSC2-related disorders in the literature. This variant has not been identified in the general population by the Genome Aggregation Database (gnomAD). The available evidence is insufficient to determine the role of this variant in disease conclusively. Therefore, this variant is classified as a Variant of Uncertain Significance.

This study involves interpretation of variants in research participants for the purpose of population health screening. Participant phenotype was not available at the time of variant classification. Additional details can be found in publication PMID: 35346344, PMCID: PMC8962531

Fulgent Genetics
Classification: Uncertain significance for Lymphangiomyomatosis; Isolated focal cortical dysplasia type II; Tuberous sclerosis 2. Last evaluated: 2021-10-12. Review status: criteria provided, single submitter. Criteria: ACMG Guidelines, 2015. Collection method: clinical testing. Allele origin: unknown.